The following is an entry in ClinVar:

NM_000384.3(APOB):c.1208C>T (p.Ala403Val)

Gene: APOB (apolipoprotein B; minus strand). Cytogenetic location: 2p24.1.
Variant type: single nucleotide variant.
Coding change: c.1208C>T on transcript NM_000384.3 (MANE Select); coding-DNA position 1208, C replaced by T.
Protein change: p.Ala403Val; replaces alanine 403 with valine.
Molecular consequence: missense variant.
Genome position (GRCh38, 1-based): chr2:21,032,498, G>A on the plus strand (C>T on the coding strand, the complement: APOB is on the minus strand). VCF-style: chr2-21032498-G-A. GRCh37 (hg19) VCF-style: chr2-21255370-G-A.
Other names: short protein forms A403V.
Identifiers: ClinVar variation 630356 (VCV000630356.9), dbSNP rs753112806, ClinGen allele CA049157.

ClinVar aggregate classification (germline): Conflicting classifications of pathogenicity. Review status: criteria provided, conflicting classifications (1 of 4 stars). 2 submissions from 2 submitters: Uncertain significance (1); Likely benign (1). Last evaluated 2025-05-15.

Conditions:
Cardiovascular phenotype. Identifiers: MedGen CN230736.
Hypercholesterolemia, autosomal dominant, type B (FHCL2). Also called: APOB-Related Familial Hypercholesterolemia, Autosomal Dominant; Hyperlipoproteinemia Type IIb; Familial Hypercholesterolemia Type B; APOLIPOPROTEIN B-100, FAMILIAL DEFECTIVE; APOLIPOPROTEIN B-100, FAMILIAL LIGAND-DEFECTIVE; Familial hypercholesterolemia 2. Identifiers: MedGen C1704417, MONDO:0007751, OMIM 144010.
Familial hypobetalipoproteinemia 1. Also called: APOB-Related Familial Hypobetalipoproteinemia; Hypobetalipoproteinemia, normotriglyceridemic; Acanthocytosis with hypobetalipoproteinemia. Identifiers: MedGen C4551990, MONDO:0014252, OMIM 615558.

Allele frequency attached by ClinVar (database versions not stated): gnomAD exomes 0.00001 and 0.00002; ExAC 0.00002.
gnomAD v4.1: 17 of 1,614,202 alleles (0.0011%); highest among the groups gnomAD compares: South Asian, 0.014%; no homozygotes.

Submissions (2):

Labcorp Genetics (formerly Invitae), Labcorp
Classification: Likely benign for Familial hypobetalipoproteinemia 1; Hypercholesterolemia, autosomal dominant, type B. Last evaluated: 2025-05-15. Review status: criteria provided, single submitter. Criteria: Invitae Variant Classification Sherloc (09022015). Collection method: clinical testing. Allele origin: germline.

Ambry Genetics
Classification: Uncertain significance for Cardiovascular phenotype. Last evaluated: 2021-02-23. Review status: criteria provided, single submitter. Criteria: Ambry Variant Classification Scheme 2023. Collection method: clinical testing. Allele origin: germline.
Comment: The p.A403V variant (also known as c.1208C>T), located in coding exon 10 of the APOB gene, results from a C to T substitution at nucleotide position 1208. The alanine at codon 403 is replaced by valine, an amino acid with similar properties. This amino acid position is not well conserved in available vertebrate species, and valine is the reference amino acid in other vertebrate species. In addition, this alteration is predicted to be tolerated by in silico analysis. Since supporting evidence is limited at this time, the clinical significance of this alteration remains unclear.